The following is an entry in ClinVar:

NM_001267550.2(TTN):c.86967G>A (p.Trp28989Ter)

Genes: TTN-AS1 (TTN antisense RNA 1; plus strand), TTN (titin; minus strand). Cytogenetic location: 2q31.2.
Variant type: single nucleotide variant.
Coding change: c.86967G>A on transcript NM_001267550.2 (MANE Select); coding-DNA position 86967, G replaced by A.
Protein change: p.Trp28989Ter; replaces tryptophan 28989 with a stop codon.
Molecular consequence: nonsense.
Genome position (GRCh38, 1-based): chr2:178,558,492, C>T on the plus strand (G>A on the coding strand, the complement: TTN is on the minus strand). VCF-style: chr2-178558492-C-T. GRCh37 (hg19) VCF-style: chr2-179423219-C-T.
Other names: c.82044G>A, p.Trp27348Ter (NM_001256850.1); c.59772G>A, p.Trp19924Ter (NM_003319.4); c.79263G>A, p.Trp26421Ter (NM_133378.4); c.60147G>A, p.Trp20049Ter (NM_133432.3); c.60348G>A, p.Trp20116Ter (NM_133437.4); c.86967G>A (LRG_391t1); short protein forms W28989*, W19924*, W20049*, W20116*, W26421*, W27348*.
Identifiers: ClinVar variation 223297 (VCV000223297.1), dbSNP rs869312062, ClinGen allele CA353166.

ClinVar aggregate classification (germline): Likely pathogenic (1 of 4 stars; one submission).

Conditions:
Primary dilated cardiomyopathy (DCM). Also called: Dilated Cardiomyopathy. Identifiers: Orphanet 217604, MedGen C0007193, MeSH D002311, MONDO:0005021, HP:0001644. Inheritance: Various modes of inheritance.

Submission:

Cardiovascular Biomedical Research Unit, Royal Brompton & Harefield NHS Foundation Trust
Classification: Likely pathogenic for Primary dilated cardiomyopathy. Last evaluated: 2014-10-08. Review status: criteria provided, single submitter. Criteria: Roberts et al. 2015. Collection method: research. Allele origin: germline. Inheritance: Autosomal dominant inheritance. Affected: yes. Observed: 1 variant allele. Study: Unselected DCM.
Comment: In the seven cohorts assessed, TTNtv were found in 14% of ambulant DCM, 22% end-stage or familial DCM, and 2% controls. Heterozygous nonsense, frameshift and canonical splice-disrupting variants found in constitutive and other highly utilised exons are highly likely to be pathogenic when identified in individuals with phenotypically confirmed DCM. TTNtv found incidentally in healthy individuals (excluding familial assessment of DCM relatives) are thought to have low penetrance, particularly when identified in exons that are not constitutively expressed in the heart.